The following is an entry in ClinVar:

NM_005002.5(NDUFA9):c.1078C>T (p.Arg360Cys)

Gene: NDUFA9 (NADH:ubiquinone oxidoreductase subunit A9; plus strand). Cytogenetic location: 12p13.32.
Variant type: single nucleotide variant.
Coding change: c.1078C>T on transcript NM_005002.5 (MANE Select); coding-DNA position 1078, C replaced by T.
Protein change: p.Arg360Cys; replaces arginine 360 with cysteine.
Molecular consequence: missense variant.
Genome position (GRCh38, 1-based): chr12:4,687,052, C>T. VCF-style: chr12-4687052-C-T. GRCh37 (hg19) VCF-style: chr12-4796218-C-T.
Other names: short protein forms R360C.
Identifiers: ClinVar variation 587683 (VCV000587683.6), dbSNP rs3210083, ClinGen allele CA231801073.
Genomic context (GRCh38, chr12:4,687,052, plus strand): 5'-ATTCAGGCAACACCACTGGAACTCAAGGCCATTGAGGTGCTGCGGCGTCATCGCACTTAC[C>T]GCTGGCTGTCTGCTGAAATTGAGGATGTGAAGCCGGCCAAGACCGTCAACATTTAGTGCC-3'
Protein context (NP_004993.1, residues 350-370): IEVLRRHRTY[Arg360Cys]WLSAEIEDVK

ClinVar aggregate classification (germline): Conflicting classifications of pathogenicity. Review status: criteria provided, conflicting classifications (1 of 4 stars). 4 submissions from 4 submitters: Likely pathogenic (1); Uncertain significance (2). 1 of the submissions does not count toward it. Last evaluated 2025-12-03.

Conditions:
Mitochondrial complex I deficiency, nuclear type 26. Also called: Mitochondrial complex 1 deficiency, nuclear type 26. Identifiers: MedGen C4748809, MONDO:0032630, OMIM 618247.

Allele frequency attached by ClinVar (database versions not stated): gnomAD exomes 0.00001.
gnomAD v4.1: 15 of 1,614,180 alleles (0.00093%); highest among the groups gnomAD compares: East Asian, 0.0045%; no homozygotes.

Submissions (4):

Labcorp Genetics (formerly Invitae), Labcorp
Classification: Uncertain significance. Last evaluated: 2025-12-03. Review status: criteria provided, single submitter. Criteria: Invitae Variant Classification Sherloc (09022015). Collection method: clinical testing. Allele origin: germline.
Comment: This sequence change replaces arginine, which is basic and polar, with cysteine, which is neutral and slightly polar, at codon 360 of the NDUFA9 protein (p.Arg360Cys). This variant is present in population databases (rs3210083, gnomAD 0.006%). This missense change has been observed in individual(s) with mitochondrial complex I deficiency (PMID: 28671271, 32907636). ClinVar contains an entry for this variant (Variation ID: 587683). An algorithm developed to predict the effect of missense changes on protein structure and function (PolyPhen-2) suggests that this variant is likely to be tolerated. In summary, the available evidence is currently insufficient to determine the role of this variant in disease. Therefore, it has been classified as a Variant of Uncertain Significance.

Revvity Omics, Revvity
Classification: Uncertain significance for Mitochondrial complex I deficiency, nuclear type 26. Last evaluated: 2023-11-02. Review status: criteria provided, single submitter. Criteria: ACMG Guidelines, 2015. Collection method: clinical testing. Allele origin: germline.

Victorian Clinical Genetics Services, Murdoch Childrens Research Institute
Classification: Likely pathogenic for Mitochondrial complex I deficiency, nuclear type 26. Last evaluated: 2021-05-06. Review status: criteria provided, single submitter. Criteria: ACMG Guidelines, 2015. Collection method: clinical testing. Allele origin: germline. Inheritance: Autosomal recessive inheritance.
Comment: Based on the classification scheme VCGS_Germline_v1.3.4, this variant is classified as Likely pathogenic. Following criteria are met: 0102 - Loss of function is a known mechanism of disease in this gene and is associated with Mitochondrial complex I deficiency, nuclear type 26 (MIM#618247). (I) 0106 - This gene is associated with autosomal recessive disease. (I) 0200 - Variant is predicted to result in a missense amino acid change from arginine to cysteine. (I) 0251 - This variant is heterozygous. (I) 0304 - Variant is present in gnomAD (v2) <0.01 for a recessive condition (3 heterozygotes, 0 homozygotes). (SP) 0309 - An alternative amino acid change at the same position has been observed in gnomAD (v2) (5 heterozygotes, 0 homozygotes). (I) 0501 - Missense variant consistently predicted to be damaging by multiple in silico tools or highly conserved with a major amino acid change. (SP) 0604 - Variant is not located in an established domain, motif, hotspot or informative constraint region. (I) 0705 - No comparable missense variants have previous evidence for pathogenicity. (I) 0803 - This variant has limited previous evidence of pathogenicity in an unrelated individual. This variant has been reported in a homozygous individual with mitochondrial complex I deficiency (PMID: 28671271). (SP) 0905 - No published segregation evidence has been identified for this variant. (I) 1001 - This variant has strong functional evidence supporting abnormal protein function. Functional studies using patient fibroblasts showed defects in mitochondria complex I assembly (PMID: 28671271). (I) Legend: (SP) - Supporting pathogenic, (I) - Information, (SB) - Supporting benign

OMIM
Classification: Pathogenic for MITOCHONDRIAL COMPLEX I DEFICIENCY, NUCLEAR TYPE 26. Last evaluated: 2025-12-02. Review status: no assertion criteria provided. Collection method: literature only. Allele origin: germline. Not counted in ClinVar's aggregate classification.

Literature cited by the submitters: PubMed 28671271 (cited by 3 submitters); PubMed 32907636 (cited by Labcorp Genetics (formerly Invitae), Labcorp).